The following is an entry in ClinVar:

ClinVar aggregate classification (germline): Pathogenic (1 of 4 stars; one submission).

Submission:

Quest Diagnostics Nichols Institute San Juan Capistrano
Classification: Pathogenic. Last evaluated: 2025-08-27. Review status: criteria provided, single submitter. Criteria: Quest Diagnostics criteria. Collection method: clinical testing. Allele origin: unknown.
Comment: The VWF c.5665-1G>A variant disrupts a canonical splice-acceptor site and interferes with normal VWF mRNA splicing. This variant has not been reported in individuals with VWF-related conditions in the published literature. This variant has not been reported in large, multi-ethnic general populations (Genome Aggregation Database). Based on the available information, this variant is classified as pathogenic.

NM_000552.5(VWF):c.5665-1G>A

Gene: VWF (von Willebrand factor; minus strand). Cytogenetic location: 12p13.31.
Variant type: single nucleotide variant.
Coding change: c.5665-1G>A on transcript NM_000552.5 (MANE Select); the canonical splice acceptor site of the intron before coding-DNA position 5665, G replaced by A.
Molecular consequence: splice acceptor variant.
Genome position (GRCh38, 1-based): chr12:6,011,795, C>T on the plus strand (G>A on the coding strand, the complement: VWF is on the minus strand). VCF-style: chr12-6011795-C-T. GRCh37 (hg19) VCF-style: chr12-6120961-C-T.
Identifiers: ClinVar variation 4533014 (VCV004533014.1).